The following is an entry in ClinVar:

NM_000900.5(MGP):c.25A>C (p.Ile9Leu)

Gene: MGP (matrix Gla protein; minus strand). Cytogenetic location: 12p12.3.
Variant type: single nucleotide variant.
Coding change: c.25A>C on transcript NM_000900.5 (MANE Select); coding-DNA position 25, A replaced by C.
Protein change: p.Ile9Leu; replaces isoleucine 9 with leucine.
Molecular consequence: missense variant.
Genome position (GRCh38, 1-based): chr12:14,885,767, T>G on the plus strand (A>C on the coding strand, the complement: MGP is on the minus strand). VCF-style: chr12-14885767-T-G. GRCh37 (hg19) VCF-style: chr12-15038701-T-G.
Other names: c.25A>C, p.Ile9Leu (NM_001190839.3); short protein forms I9L.
Identifiers: ClinVar variation 1006633 (VCV001006633.9), dbSNP rs1863432565, ClinGen allele CA384021290.

ClinVar aggregate classification (germline): Uncertain significance (1 of 4 stars; one submission).

Submission:

Labcorp Genetics (formerly Invitae), Labcorp
Classification: Uncertain significance. Last evaluated: 2020-02-14. Review status: criteria provided, single submitter. Criteria: Invitae Variant Classification Sherloc (09022015). Collection method: clinical testing. Allele origin: germline.
Comment: This sequence change replaces isoleucine with leucine at codon 9 of the MGP protein (p.Ile9Leu). The isoleucine residue is moderately conserved and there is a small physicochemical difference between isoleucine and leucine. This variant has not been reported in the literature in individuals with MGP-related conditions. Algorithms developed to predict the effect of missense changes on protein structure and function output the following: SIFT: "Tolerated"; PolyPhen-2: "Possibly Damaging"; Align-GVGD: "Class C0". The leucine amino acid residue is found in multiple mammalian species, suggesting that this missense change does not adversely affect protein function. These predictions have not been confirmed by published functional studies and their clinical significance is uncertain. In summary, the available evidence is currently insufficient to determine the role of this variant in disease. Therefore, it has been classified as a Variant of Uncertain Significance. This variant is not present in population databases (ExAC no frequency).